The following is an entry in ClinVar:

NM_000289.6(PFKM):c.1321G>T (p.Glu441Ter)

Gene: PFKM (phosphofructokinase, muscle; plus strand). Cytogenetic location: 12q13.11.
Variant type: single nucleotide variant.
Coding change: c.1321G>T on transcript NM_000289.6 (MANE Select); coding-DNA position 1321, G replaced by T.
Protein change: p.Glu441Ter; replaces glutamic acid 441 with a stop codon.
Molecular consequence: nonsense. On other transcripts: non-coding transcript variant (6).
Genome position (GRCh38, 1-based): chr12:48,140,851, G>T. VCF-style: chr12-48140851-G-T. GRCh37 (hg19) VCF-style: chr12-48534634-G-T.
Other names: c.1534G>T, p.Glu512Ter (NM_001166686.2, NM_001354737.1, NM_001354738.1 and 1 more transcripts); c.1321G>T, p.Glu441Ter (NM_001166687.2, NM_001166688.2, NM_001354742.2 and 2 more transcripts); c.1630G>T, p.Glu544Ter (NM_001354735.1, NM_001354736.1); c.1465G>T, p.Glu489Ter (NM_001354740.1); c.1345G>T, p.Glu449Ter (NM_001354741.2); c.1234G>T, p.Glu412Ter (NM_001354745.2); c.1195G>T, p.Glu399Ter (NM_001354746.2); c.1171G>T, p.Glu391Ter (NM_001354747.2, NM_001354748.2); and 1 more; short protein forms E391*, E399*, E410*, E412*, E441*, E449*, E489*, E512*.
Identifiers: ClinVar variation 1725612 (VCV001725612.5), dbSNP rs2498539706, ClinGen allele CA384550798.

ClinVar aggregate classification (germline): Pathogenic/Likely pathogenic. Review status: criteria provided, multiple submitters, no conflicts (2 of 4 stars). 2 submissions from 2 submitters: Pathogenic (1); Likely pathogenic (1). Last evaluated 2023-11-01.

Conditions:
Glycogen storage disease, type VII (GSD7). Also called: GSD VII; MUSCLE PHOSPHOFRUCTOKINASE DEFICIENCY; PFKM DEFICIENCY; TARUI DISEASE. Identifiers: Orphanet 371, MedGen C0017926, MONDO:0009295, OMIM 232800.

Submissions (2):

Labcorp Genetics (formerly Invitae), Labcorp
Classification: Pathogenic for Glycogen storage disease, type VII. Last evaluated: 2023-11-01. Review status: criteria provided, single submitter. Criteria: Invitae Variant Classification Sherloc (09022015). Collection method: clinical testing. Allele origin: germline.
Comment: This sequence change creates a premature translational stop signal (p.Glu441*) in the PFKM gene. It is expected to result in an absent or disrupted protein product. Loss-of-function variants in PFKM are known to be pathogenic (PMID: 7825568, 8037209). This variant is not present in population databases (gnomAD no frequency). This variant has not been reported in the literature in individuals affected with PFKM-related conditions. ClinVar contains an entry for this variant (Variation ID: 1725612). Algorithms developed to predict the effect of sequence changes on RNA splicing suggest that this variant may disrupt the consensus splice site. For these reasons, this variant has been classified as Pathogenic.

Myriad Genetics, Inc.
Classification: Likely pathogenic for Glycogen storage disease, type VII. Last evaluated: 2022-03-30. Review status: criteria provided, single submitter. Criteria: Myriad Women's Health Autosomal Recessive and X-Linked Classification Criteria (2021). Collection method: clinical testing. Allele origin: unknown.
Comment: NM_001166686.1(PFKM):c.1534G>T(E512*) is expected to be pathogenic in the context of glycogen storage disease type VII. This variant is predicted to lead to an abnormal or absent protein product due to the creation of a premature termination codon in PFKM, a gene where loss-of-function variants are known to be pathogenic. Please note: this variant was assessed in the context of healthy population screening.

Literature cited by the submitters: PubMed 7825568 (cited by Labcorp Genetics (formerly Invitae), Labcorp); PubMed 8037209 (cited by Labcorp Genetics (formerly Invitae), Labcorp).